The following is an entry in ClinVar:

ClinVar aggregate classification (germline): Uncertain significance. Review status: criteria provided, multiple submitters, no conflicts (2 of 4 stars). 2 submissions from 2 submitters: Uncertain significance (2). Last evaluated 2023-06-15.

Conditions:
Inborn genetic diseases. Identifiers: MedGen C0950123, MeSH D030342.
Bethlem myopathy 2 (BTHLM2). Identifiers: Orphanet 536516, Orphanet 610, MedGen C4225313, MONDO:0034022, OMIM 616471.
Ullrich congenital muscular dystrophy 2 (UCMD2). Identifiers: Orphanet 75840, MedGen C4225314, MONDO:0014654, OMIM 616470.

Submissions (2):

Labcorp Genetics (formerly Invitae), Labcorp
Classification: Uncertain significance for Bethlem myopathy 2; Ullrich congenital muscular dystrophy 2. Last evaluated: 2023-06-15. Review status: criteria provided, single submitter. Criteria: Invitae Variant Classification Sherloc (09022015). Collection method: clinical testing. Allele origin: germline.
Comment: In summary, the available evidence is currently insufficient to determine the role of this variant in disease. Therefore, it has been classified as a Variant of Uncertain Significance. This sequence change replaces arginine, which is basic and polar, with leucine, which is neutral and non-polar, at codon 1434 of the COL12A1 protein (p.Arg1434Leu). The frequency data for this variant in the population databases is considered unreliable, as metrics indicate poor data quality at this position in the gnomAD database. This variant has not been reported in the literature in individuals affected with COL12A1-related conditions. ClinVar contains an entry for this variant (Variation ID: 1419782). Advanced modeling of protein sequence and biophysical properties (such as structural, functional, and spatial information, amino acid conservation, physicochemical variation, residue mobility, and thermodynamic stability) performed at Invitae indicates that this missense variant is not expected to disrupt COL12A1 protein function.

Ambry Genetics
Classification: Uncertain significance for Inborn genetic diseases. Last evaluated: 2021-10-06. Review status: criteria provided, single submitter. Criteria: Ambry Variant Classification Scheme 2023. Collection method: clinical testing. Allele origin: germline.

NM_004370.6(COL12A1):c.4301G>T (p.Arg1434Leu)

Gene: COL12A1 (collagen type XII alpha 1 chain; minus strand). Cytogenetic location: 6q13.
Variant type: single nucleotide variant.
Coding change: c.4301G>T on transcript NM_004370.6 (MANE Select); coding-DNA position 4301, G replaced by T.
Protein change: p.Arg1434Leu; replaces arginine 1434 with leucine.
Molecular consequence: missense variant.
Genome position (GRCh38, 1-based): chr6:75,147,791, C>A on the plus strand (G>T on the coding strand, the complement: COL12A1 is on the minus strand). VCF-style: chr6-75147791-C-A. GRCh37 (hg19) VCF-style: chr6-75857507-C-A.
Other names: c.809G>T, p.Arg270Leu (NM_080645.3); c.4301G>T (NM_004370.5); short protein forms R1434L, R270L.
Identifiers: ClinVar variation 1419782 (VCV001419782.9), dbSNP rs779064060, ClinGen allele CA364744818.